The following is an entry in ClinVar:

ClinVar aggregate classification (germline): Uncertain significance (1 of 4 stars; one submission).

Submission:

Athena Diagnostics
Classification: Uncertain significance. Last evaluated: 2023-01-04. Review status: criteria provided, single submitter. Criteria: Athena Diagnostics Criteria. Collection method: clinical testing. Allele origin: unknown.
Comment: Available data are insufficient to determine the clinical significance of the variant at this time. This variant has not been reported in large, multi-ethnic general populations. This variant has been seen where an alternate explanation for disease was also identified, suggesting this variant may not cause disease. Computational tools disagree on the variant's effect on normal protein function. According to published research, less than 2% of dystrophin-related disease is due to missense mutation (Flanigan, et al. 2009. Hum Mutat 30: 1657-66. PMID: 19937601).

NM_004006.3(DMD):c.10432A>G (p.Ser3478Gly)

Gene: DMD (dystrophin; minus strand). Cytogenetic location: Xp21.2.
Variant type: single nucleotide variant.
Coding change: c.10432A>G on transcript NM_004006.3 (MANE Select); coding-DNA position 10432, A replaced by G.
Protein change: p.Ser3478Gly; replaces serine 3478 with glycine.
Molecular consequence: missense variant. On other transcripts: intron variant (2).
Genome position (GRCh38, 1-based): chrX:31,169,564, T>C on the plus strand (A>G on the coding strand, the complement: DMD is on the minus strand). VCF-style: chrX-31169564-T-C. GRCh37 (hg19) VCF-style: chrX-31187681-T-C.
Other names: c.10408A>G, p.Ser3470Gly (NM_000109.4); c.10420A>G, p.Ser3474Gly (NM_004009.3); c.10063A>G, p.Ser3355Gly (NM_004010.3); c.6409A>G, p.Ser2137Gly (NM_004011.4); c.6400A>G, p.Ser2134Gly (NM_004012.4); c.3052A>G, p.Ser1018Gly (NM_004013.3, NM_004021.3); c.2245A>G, p.Ser749Gly (NM_004014.3); c.1228A>G, p.Ser410Gly (NM_004015.3, NM_004016.3); and 3 more; short protein forms S1005G, S1018G, S2134G, S2137G, S3355G, S3470G, S3474G, S3478G.
Identifiers: ClinVar variation 2684171 (VCV002684171.1), dbSNP rs2519780050, ClinGen allele CA412651991.